The following is an entry in ClinVar:

ClinVar aggregate classification (germline): Conflicting classifications of pathogenicity. Review status: criteria provided, conflicting classifications (1 of 4 stars). 2 submissions from 2 submitters: Likely pathogenic (1); Uncertain significance (1). Last evaluated 2021-12-20.

Conditions:
CHST14-related disorder. Also called: CHST14-related condition.
Ehlers-Danlos syndrome, musculocontractural type (EDSMC). Also called: Adducted thumb, clubfoot, progressive joint and skin laxity syndrome; ARTHROGRYPOSIS, DISTAL, WITH PECULIAR FACIES AND HYDRONEPHROSIS; DUNDAR SYNDROME; ADDUCTED THUMB-CLUBFOOT SYNDROME. Identifiers: Orphanet 2953, MedGen C1866294, MONDO:0011142.

Submissions (2):

Blueprint Genetics
Classification: Likely pathogenic for CHST14-related disorders. Last evaluated: 2021-12-20. Review status: criteria provided, single submitter. Criteria: ACMG Guidelines, 2015. Collection method: clinical testing. Allele origin: germline. Affected: yes. Observed: 1 variant allele.

Labcorp Genetics (formerly Invitae), Labcorp
Classification: Uncertain significance for Ehlers-Danlos syndrome, musculocontractural type. Last evaluated: 2017-07-23. Review status: criteria provided, single submitter. Criteria: Invitae Variant Classification Sherloc (09022015). Collection method: clinical testing. Allele origin: germline.
Comment: This variant is not present in population databases (ExAC no frequency). This sequence change replaces lysine with asparagine at codon 156 of the CHST14 protein (p.Lys156Asn). The lysine residue is highly conserved and there is a moderate physicochemical difference between lysine and asparagine. In summary, the available evidence is currently insufficient to determine the role of this variant in disease. Therefore, it has been classified as a Variant of Uncertain Significance. Algorithms developed to predict the effect of missense changes on protein structure and function (SIFT, PolyPhen-2, Align-GVGD) all suggest that this variant is likely to be disruptive, but these predictions have not been confirmed by published functional studies and their clinical significance is uncertain. This variant has not been reported in the literature in individuals with CHST14-related disease.

NM_130468.4(CHST14):c.468G>C (p.Lys156Asn)

Gene: CHST14 (carbohydrate sulfotransferase 14; plus strand). Cytogenetic location: 15q15.1.
Variant type: single nucleotide variant.
Coding change: c.468G>C on transcript NM_130468.4 (MANE Select); coding-DNA position 468, G replaced by C.
Protein change: p.Lys156Asn; replaces lysine 156 with asparagine.
Molecular consequence: missense variant.
Genome position (GRCh38, 1-based): chr15:40,471,681, G>C. VCF-style: chr15-40471681-G-C. GRCh37 (hg19) VCF-style: chr15-40763880-G-C.
Other names: short protein forms K156N.
Identifiers: ClinVar variation 468549 (VCV000468549.9), dbSNP rs1555410748, ClinGen allele CA391765858.